The following is an entry in ClinVar:

NM_004863.4(SPTLC2):c.1628G>A (p.Arg543Gln)

Gene: SPTLC2 (serine palmitoyltransferase long chain base subunit 2; minus strand). Cytogenetic location: 14q24.3.
Variant type: single nucleotide variant.
Coding change: c.1628G>A on transcript NM_004863.4 (MANE Select); coding-DNA position 1628, G replaced by A.
Protein change: p.Arg543Gln; replaces arginine 543 with glutamine.
Molecular consequence: missense variant.
Genome position (GRCh38, 1-based): chr14:77,512,345, C>T on the plus strand (G>A on the coding strand, the complement: SPTLC2 is on the minus strand). VCF-style: chr14-77512345-C-T. GRCh37 (hg19) VCF-style: chr14-77978688-C-T.
Other names: short protein forms R543Q.
Identifiers: ClinVar variation 440307 (VCV000440307.20), dbSNP rs763898397, ClinGen allele CA7289112.

ClinVar aggregate classification (germline): Uncertain significance. Review status: criteria provided, multiple submitters, no conflicts (2 of 4 stars). 3 submissions from 3 submitters: Uncertain significance (3). Last evaluated 2026-01-11.

Conditions:
Inborn genetic diseases. Identifiers: MedGen C0950123, MeSH D030342.
Neuropathy, hereditary sensory and autonomic, type 1C. Also called: HSAN IC; HSN IC. Identifiers: Orphanet 36386, MedGen C3150896, MONDO:0013337, OMIM 613640.

Allele frequency attached by ClinVar (database versions not stated): ExAC 0.00002; gnomAD exomes 0.00002 and 0.00007; TOPMed 0.00003; gnomAD 0.00005.
gnomAD v4.1: 104 of 1,614,086 alleles (0.0064%); highest among the groups gnomAD compares: Non-Finnish European, 0.0085%; no homozygotes.

Submissions (3):

Labcorp Genetics (formerly Invitae), Labcorp
Classification: Uncertain significance for Neuropathy, hereditary sensory and autonomic, type 1C. Last evaluated: 2026-01-11. Review status: criteria provided, single submitter. Criteria: Invitae Variant Classification Sherloc (09022015). Collection method: clinical testing. Allele origin: germline.
Comment: This sequence change replaces arginine, which is basic and polar, with glutamine, which is neutral and polar, at codon 543 of the SPTLC2 protein (p.Arg543Gln). This variant is present in population databases (rs763898397, gnomAD 0.005%). This variant has not been reported in the literature in individuals affected with SPTLC2-related conditions. ClinVar contains an entry for this variant (Variation ID: 440307). Invitae Evidence Modeling of protein sequence and biophysical properties (such as structural, functional, and spatial information, amino acid conservation, physicochemical variation, residue mobility, and thermodynamic stability) indicates that this missense variant is not expected to disrupt SPTLC2 protein function with a negative predictive value of 95%. In summary, the available evidence is currently insufficient to determine the role of this variant in disease. Therefore, it has been classified as a Variant of Uncertain Significance.

Ambry Genetics
Classification: Uncertain significance for Inborn genetic diseases. Last evaluated: 2025-04-13. Review status: criteria provided, single submitter. Criteria: Ambry Variant Classification Scheme 2023. Collection method: clinical testing. Allele origin: germline.

ARUP Laboratories, Molecular Genetics and Genomics, ARUP Laboratories
Classification: Uncertain significance. Last evaluated: 2016-10-06. Review status: criteria provided, single submitter. Criteria: ARUP Molecular Germline Variant Investigation Process. Collection method: clinical testing. Allele origin: germline.